The following is an entry in ClinVar:

ClinVar aggregate classification (germline): Uncertain significance. Review status: criteria provided, multiple submitters, no conflicts (2 of 4 stars). 3 submissions from 3 submitters: Uncertain significance (2). 1 of the submissions does not count toward it. Last evaluated 2022-04-06.

Conditions:
Mucopolysaccharidosis type 1. Also called: IDUA deficiency; MPS I. Identifiers: Orphanet 579, MedGen C0023786, MONDO:0001586.

Allele frequency attached by ClinVar (database versions not stated): ExAC 0.00002; gnomAD exomes 0.00003; gnomAD 0.00004; TOPMed 0.00005.

Submissions (3):

Revvity Omics, Revvity
Classification: Uncertain significance. Last evaluated: 2022-04-06. Review status: criteria provided, single submitter. Criteria: ACMG Guidelines, 2015. Collection method: clinical testing. Allele origin: germline.

GeneDx
Classification: Uncertain significance. Last evaluated: 2017-05-19. Review status: criteria provided, single submitter. Criteria: GeneDx Variant Classification (06012015). Collection method: clinical testing. Allele origin: germline. Affected: yes.
Comment: The F501L variant in the IDUA gene has not been reported previously as a pathogenic variant, nor as a benign variant, to our knowledge. The F501L variant is not observed at a significant frequency in large population cohorts (Lek et al., 2016; 1000 Genomes Consortium et al., 2015; Exome Variant Server). The F501L variant is a conservative amino acid substitution, which is not likely to impact secondary protein structure as these residues share similar properties. This substitution occurs at a position that is conserved across species. In silico analysis predicts this variant is probably damaging to the protein structure/function. We interpret F501L as a variant of uncertain significance.

Natera, Inc.
Classification: Uncertain significance for Mucopolysaccharidosis type I. Last evaluated: 2020-09-16. Review status: no assertion criteria provided. Collection method: clinical testing. Allele origin: germline. Not counted in ClinVar's aggregate classification.

NM_000203.5(IDUA):c.1501T>C (p.Phe501Leu)

Gene: IDUA (alpha-L-iduronidase; plus strand). Cytogenetic location: 4p16.3.
Variant type: single nucleotide variant.
Coding change: c.1501T>C on transcript NM_000203.5 (MANE Select); coding-DNA position 1501, T replaced by C.
Protein change: p.Phe501Leu; replaces phenylalanine 501 with leucine.
Molecular consequence: missense variant. On other transcripts: non-coding transcript variant (1).
Genome position (GRCh38, 1-based): chr4:1,003,134, T>C. VCF-style: chr4-1003134-T-C. GRCh37 (hg19) VCF-style: chr4-996922-T-C.
Other names: c.1105T>C, p.Phe369Leu (NM_001363576.1); short protein forms F501L, F369L.
Identifiers: ClinVar variation 430480 (VCV000430480.6), dbSNP rs776590488, ClinGen allele CA2802279.